The following is an entry in ClinVar:

ClinVar aggregate classification (germline): Uncertain significance (1 of 4 stars; one submission).

Submission:

GeneDx
Classification: Uncertain significance. Last evaluated: 2019-07-12. Review status: criteria provided, single submitter. Criteria: GeneDx Variant Classification Process June 2021. Collection method: clinical testing. Allele origin: germline. Affected: yes.
Comment: Not observed in large population cohorts (Lek et al., 2016); Has not been previously published as pathogenic or benign to our knowledge

NM_002691.4(POLD1):c.710G>A (p.Gly237Asp)

Gene: POLD1 (DNA polymerase delta 1, catalytic subunit; plus strand). Cytogenetic location: 19q13.33.
Variant type: single nucleotide variant.
Coding change: c.710G>A on transcript NM_002691.4 (MANE Select); coding-DNA position 710, G replaced by A.
Protein change: p.Gly237Asp; replaces glycine 237 with aspartic acid.
Molecular consequence: missense variant. On other transcripts: non-coding transcript variant (1).
Genome position (GRCh38, 1-based): chr19:50,402,325, G>A. VCF-style: chr19-50402325-G-A. GRCh37 (hg19) VCF-style: chr19-50905582-G-A.
Other names: c.710G>A, p.Gly237Asp (NM_001256849.1, NM_001308632.1); short protein forms G237D.
Identifiers: ClinVar variation 1307149 (VCV001307149.2), dbSNP rs2038679477, ClinGen allele CA406974456.